The following is an entry in ClinVar:

NM_152703.5(SAMD9L):c.3296T>C (p.Phe1099Ser)

Gene: SAMD9L (sterile alpha motif domain containing 9 like; minus strand). Cytogenetic location: 7q21.2.
Variant type: single nucleotide variant.
Coding change: c.3296T>C on transcript NM_152703.5 (MANE Select); coding-DNA position 3296, T replaced by C.
Protein change: p.Phe1099Ser; replaces phenylalanine 1099 with serine.
Molecular consequence: missense variant.
Genome position (GRCh38, 1-based): chr7:93,132,676, A>G on the plus strand (T>C on the coding strand, the complement: SAMD9L is on the minus strand). VCF-style: chr7-93132676-A-G. GRCh37 (hg19) VCF-style: chr7-92761989-A-G.
Other names: c.3296T>C, p.Phe1099Ser (NM_001303496.3, NM_001303497.3, NM_001303498.3 and 5 more transcripts); short protein forms F1099S.
Identifiers: ClinVar variation 4159409 (VCV004159409.1).

ClinVar aggregate classification (germline): Uncertain significance (1 of 4 stars; one submission).

Conditions:
Inborn genetic diseases. Identifiers: MedGen C0950123, MeSH D030342.

Submission:

Ambry Genetics
Classification: Uncertain significance for Inborn genetic diseases. Last evaluated: 2025-08-19. Review status: criteria provided, single submitter. Criteria: Ambry Variant Classification Scheme 2023. Collection method: clinical testing. Allele origin: germline.
Comment: The p.F1099S variant (also known as c.3296T>C), located in coding exon 1 of the SAMD9L gene, results from a T to C substitution at nucleotide position 3296. The phenylalanine at codon 1099 is replaced by serine, an amino acid with highly dissimilar properties. This amino acid position is conserved. In addition, this alteration is predicted to be deleterious by in silico analysis. Based on the available evidence, the clinical significance of this variant remains unclear.